The following is an entry in ClinVar:

ClinVar aggregate classification (germline): Pathogenic (1 of 4 stars; one submission).

Conditions:
Neurofibromatosis, type 1 (NF1). Also called: VON RECKLINGHAUSEN DISEASE; Neurofibromatosis, type I; NEUROFIBROMATOSIS, TYPE I, SOMATIC; Peripheral type neurofibromatosis. Identifiers: Orphanet 636, MedGen C0027831, MONDO:0018975, OMIM 162200. Disease mechanism: loss of function.

Submission:

Labcorp Genetics (formerly Invitae), Labcorp
Classification: Pathogenic for Neurofibromatosis, type 1. Last evaluated: 2021-01-15. Review status: criteria provided, single submitter. Criteria: Invitae Variant Classification Sherloc (09022015). Collection method: clinical testing. Allele origin: germline.
Comment: This sequence change falls in intron 16 of the NF1 gene. It does not directly change the encoded amino acid sequence of the NF1 protein. It affects a nucleotide within the consensus splice site of the intron. This variant is not present in population databases (ExAC no frequency). This variant has not been reported in the literature in individuals with NF1-related conditions. Nucleotide substitutions within the consensus splice site are a relatively common cause of aberrant splicing (PMID: 17576681, 9536098). Algorithms developed to predict the effect of sequence changes on RNA splicing suggest that this variant may disrupt the consensus splice site, but this prediction has not been confirmed by published transcriptional studies. For these reasons, this variant has been classified as Pathogenic.

Literature cited by the submitters: PubMed 17576681; PubMed 9536098.

NM_001042492.3(NF1):c.1845+2_1845+3insGGCCGGGCGCGGTGGCTCACGCCTGTAATCCCAGCACTTTGGNNNNNNNNNNAAAAAAAAAAAAAAAAAAAAAAAAATAAGGT

Gene: NF1 (neurofibromin 1; plus strand). Cytogenetic location: 17q11.2.
Variant type: Microsatellite.
Coding change: c.1845+2_1845+3insGGCCGGGCGCGGTGGCTCACGCCTGTAATCCCAGCACTTTGGNNNNNNNNNNAAAAAAAAAAAAAAAAAAAAAAAAATAAGGT on transcript NM_001042492.3 (MANE Select); the canonical splice donor site of the intron after coding-DNA position 1845 through 3 bases into the intron after coding-DNA position 1845, GGCCGGGCGCGGTGGCTCACGCCTGTAATCCCAGCACTTTGGNNNNNNNNNNAAAAAAAAAAAAAAAAAAAAAAAAATAAGGT inserted.
Molecular consequence: splice donor variant.
Genome position: GRCh38: chr17:31,223,559-31,223,569. GRCh37 (hg19): chr17:29,550,577-29,550,587.
Other names: c.1845+2_1845+3insGGCCGGGCGCGGTGGCTCACGCCTGTAATCCCAGCACTTTGGNNNNNNNNNNAAAAAAAAAAAAAAAAAAAAAAAAATAAGGT (NM_000267.4).
Identifiers: ClinVar variation 1393111 (VCV001393111.2).